The following is an entry in ClinVar:

ClinVar aggregate classification (germline): Uncertain significance (1 of 4 stars; one submission).

Submission:

GeneDx
Classification: Uncertain significance. Last evaluated: 2026-09-11. Review status: criteria provided, single submitter. Criteria: GeneDx Variant Classification Process June 2021. Collection method: clinical testing. Allele origin: germline.
Comment: Not observed at significant frequency in large population cohorts (gnomAD); In silico analysis supports that this missense variant has a deleterious effect on protein structure/function; Has not been previously published as pathogenic or benign to our knowledge

NM_031407.7(HUWE1):c.3979G>C (p.Asp1327His)

Gene: HUWE1 (HECT, UBA and WWE domain containing E3 ubiquitin protein ligase 1; minus strand). Cytogenetic location: Xp11.22.
Variant type: single nucleotide variant.
Coding change: c.3979G>C on transcript NM_031407.7 (MANE Select); coding-DNA position 3979, G replaced by C.
Protein change: p.Asp1327His; replaces aspartic acid 1327 with histidine.
Molecular consequence: missense variant.
Genome position (GRCh38, 1-based): chrX:53,591,116, C>G on the plus strand (G>C on the coding strand, the complement: HUWE1 is on the minus strand). VCF-style: chrX-53591116-C-G. GRCh37 (hg19) VCF-style: chrX-53618076-C-G.
Other names: short protein forms D1327H.
Identifiers: ClinVar variation 2576642 (VCV002576642.2), dbSNP rs2526003422, ClinGen allele CA413177417.